The following is an entry in ClinVar:

ClinVar aggregate classification (germline): Likely benign. Review status: criteria provided, multiple submitters, no conflicts (2 of 4 stars). 3 submissions from 3 submitters: Likely benign (3). Last evaluated 2025-10-23.

Conditions:
Hereditary cancer-predisposing syndrome. Also called: Tumor predisposition; Hereditary neoplastic syndrome; Neoplastic Syndromes, Hereditary; Hereditary Cancer Syndrome. Identifiers: Orphanet 140162, MedGen C0027672, MeSH D009386, MONDO:0015356.
Bloom syndrome (BLM). Also called: Bloom-Torre-Machacek syndrome. Identifiers: Orphanet 125, MedGen C0005859, MONDO:0008876, OMIM 210900.

Allele frequency attached by ClinVar (database versions not stated): TOPMed 0.00001; gnomAD 0.00001; gnomAD exomes 0.00001.
gnomAD v4.1: 7 of 1,614,046 alleles (0.00043%); highest among the groups gnomAD compares: Non-Finnish European, 0.00059%; no homozygotes.

Submissions (3):

Labcorp Genetics (formerly Invitae), Labcorp
Classification: Likely benign for Bloom syndrome. Last evaluated: 2025-10-23. Review status: criteria provided, single submitter. Criteria: Invitae Variant Classification Sherloc (09022015). Collection method: clinical testing. Allele origin: germline.

CeGaT Center for Human Genetics Tuebingen
Classification: Likely benign. Last evaluated: 2025-08-01. Review status: criteria provided, single submitter. Criteria: CeGaT Center For Human Genetics Tuebingen Variant Classification Criteria Version 2. Collection method: clinical testing. Allele origin: germline. Affected: yes. Observed: 1 variant allele.
Comment: BLM: BP4, BP7

Ambry Genetics
Classification: Likely benign for Hereditary cancer-predisposing syndrome. Last evaluated: 2019-03-09. Review status: criteria provided, single submitter. Criteria: Ambry Variant Classification Scheme 2023. Collection method: clinical testing. Allele origin: germline.

NM_000057.4(BLM):c.2985T>C (p.Tyr995=)

Gene: BLM (BLM RecQ like helicase; plus strand). Cytogenetic location: 15q26.1.
Variant type: single nucleotide variant.
Coding change: c.2985T>C on transcript NM_000057.4 (MANE Select); coding-DNA position 2985, T replaced by C.
Protein change: p.Tyr995=; no amino-acid change (tyrosine 995 retained).
Molecular consequence: synonymous variant.
Genome position (GRCh38, 1-based): chr15:90,790,810, T>C. VCF-style: chr15-90790810-T-C. GRCh37 (hg19) VCF-style: chr15-91334040-T-C.
Other names: c.2985T>C, p.Tyr995= (NM_001287246.2, NM_001287247.2); c.1860T>C, p.Tyr620= (NM_001287248.2).
Identifiers: ClinVar variation 822434 (VCV000822434.21), dbSNP rs1367612540, ClinGen allele CA492164295.
Genomic context (GRCh38, chr15:90,790,810, plus strand): 5'-AGAATCTGGCAGAGCTGGAAGAGATGGGGAAATATCTCACTGCCTGCTTTTCTATACCTA[T>C]CATGATGTGACCAGACTGAAAAGACTTATAATGAGTAAGCTGGGCTCCATTGTAGAGACA-3'
Protein context (NP_000048.1, residues 985-1005): EISHCLLFYT[Tyr995=]HDVTRLKRLI